The following is an entry in ClinVar:

ClinVar aggregate classification (germline): Uncertain significance (1 of 4 stars; one submission).

Submission:

GeneDx
Classification: Uncertain significance. Last evaluated: 2024-12-21. Review status: criteria provided, single submitter. Criteria: GeneDx Variant Classification Process June 2021. Collection method: clinical testing. Allele origin: germline. Affected: yes.
Comment: Not observed at significant frequency in large population cohorts (gnomAD); In silico analysis supports that this missense variant has a deleterious effect on protein structure/function; Has not been previously published as pathogenic or benign to our knowledge

NM_001366145.2(TRPM3):c.1519G>C (p.Glu507Gln)

Gene: TRPM3 (transient receptor potential cation channel subfamily M member 3; minus strand). Cytogenetic location: 9q21.12.
Variant type: single nucleotide variant.
Coding change: c.1519G>C on transcript NM_001366145.2 (MANE Select); coding-DNA position 1519, G replaced by C.
Protein change: p.Glu507Gln; replaces glutamic acid 507 with glutamine.
Molecular consequence: missense variant.
Genome position (GRCh38, 1-based): chr9:70,639,122, C>G on the plus strand (G>C on the coding strand, the complement: TRPM3 is on the minus strand). VCF-style: chr9-70639122-C-G. GRCh37 (hg19) VCF-style: chr9-73254038-C-G.
Other names: c.1525G>C, p.Glu509Gln (NM_001366143.2, NM_001366141.2, NM_001366142.2); c.1519G>C, p.Glu507Gln (NM_001366146.2, NM_001366149.2, NM_001366150.2 and 2 more transcripts); c.1594G>C, p.Glu532Gln (NM_001366147.2, NM_001366148.2, NM_001366152.2); c.1060G>C, p.Glu354Gln (NM_001366154.2, NM_020952.6, NM_024971.7 and 2 more transcripts); c.1135G>C, p.Glu379Gln (NM_206946.5, NM_206947.5); short protein forms E354Q, E379Q, E507Q, E509Q, E532Q.
Identifiers: ClinVar variation 3906398 (VCV003906398.1).
Genomic context (GRCh38, chr9:70,639,122, plus strand): 5'-TATTGTACAATTCCTCTAGTCTGGAGATGGTGAGAAAACGGTGCATGCTTACTCCATTCT[C>G]TATGAGTAATTTCACAAAATCCACTCTGTCCAGAACTAAGGCATCCAACATGGCTTGCTC-3'
Protein context (NP_001353074.1, residues 497-517): DRVDFVKLLI[Glu507Gln]NGVSMHRFLT